The following is an entry in ClinVar:

NM_006766.5(KAT6A):c.2004G>C (p.Leu668Phe)

Gene: KAT6A (lysine acetyltransferase 6A; minus strand). Cytogenetic location: 8p11.21.
Variant type: single nucleotide variant.
Coding change: c.2004G>C on transcript NM_006766.5 (MANE Select); coding-DNA position 2004, G replaced by C.
Protein change: p.Leu668Phe; replaces leucine 668 with phenylalanine.
Molecular consequence: missense variant.
Genome position (GRCh38, 1-based): chr8:41,943,972, C>G on the plus strand (G>C on the coding strand, the complement: KAT6A is on the minus strand). VCF-style: chr8-41943972-C-G. GRCh37 (hg19) VCF-style: chr8-41801490-C-G.
Other names: c.2004G>C, p.Leu668Phe (NM_001305878.2); short protein forms L668F.
Identifiers: ClinVar variation 1307349 (VCV001307349.2), dbSNP rs2150863583, ClinGen allele CA371073463.

ClinVar aggregate classification (germline): Uncertain significance (1 of 4 stars; one submission).

Submission:

GeneDx
Classification: Uncertain significance. Last evaluated: 2019-08-02. Review status: criteria provided, single submitter. Criteria: GeneDx Variant Classification Process June 2021. Collection method: clinical testing. Allele origin: germline. Affected: yes.
Comment: Not observed in large population cohorts (Lek et al., 2016); In silico analysis, which includes protein predictors and evolutionary conservation, supports a deleterious effect; Has not been previously published as pathogenic or benign to our knowledge